The following is an entry in ClinVar:

ClinVar aggregate classification (germline): Uncertain significance. Review status: criteria provided, multiple submitters, no conflicts (2 of 4 stars). 4 submissions from 4 submitters: Uncertain significance (2). 2 of the submissions do not count toward it. Last evaluated 2024-09-02.

Conditions:
Hereditary cancer-predisposing syndrome. Also called: Hereditary neoplastic syndrome; Neoplastic Syndromes, Hereditary; Tumor predisposition; Hereditary Cancer Syndrome. Identifiers: Orphanet 140162, MedGen C0027672, MeSH D009386, MONDO:0015356.
Bloom syndrome (BLM). Also called: Bloom-Torre-Machacek syndrome. Identifiers: Orphanet 125, MedGen C0005859, MONDO:0008876, OMIM 210900.

Submissions (4):

Labcorp Genetics (formerly Invitae), Labcorp
Classification: Uncertain significance for Bloom syndrome. Last evaluated: 2024-09-02. Review status: criteria provided, single submitter. Criteria: Invitae Variant Classification Sherloc (09022015). Collection method: clinical testing. Allele origin: germline.
Comment: This variant, c.267_269del, results in the deletion of 1 amino acid(s) of the BLM protein (p.Phe90del), but otherwise preserves the integrity of the reading frame. This variant is not present in population databases (gnomAD no frequency). This variant has not been reported in the literature in individuals affected with BLM-related conditions. Experimental studies and prediction algorithms are not available or were not evaluated, and the functional significance of this variant is currently unknown. In summary, the available evidence is currently insufficient to determine the role of this variant in disease. Therefore, it has been classified as a Variant of Uncertain Significance.

Ambry Genetics
Classification: Uncertain significance for Hereditary cancer-predisposing syndrome. Last evaluated: 2018-11-26. Review status: criteria provided, single submitter. Criteria: Ambry Variant Classification Scheme 2023. Collection method: clinical testing. Allele origin: germline.
Comment: The c.267_269delCTT variant (also known as p.F90del) is located in coding exon 2 of the BLM gene. This variant results from an in-frame CTT deletion at nucleotide positions 267 to 269. This results in the in-frame deletion of a phenylalanine at codon 90. This amino acid position is not well conserved in available vertebrate species. Since supporting evidence is limited at this time, the clinical significance of this alteration remains unclear.

Natera, Inc.
Classification: Uncertain significance for Bloom syndrome. Last evaluated: 2020-08-20. Review status: no assertion criteria provided. Collection method: clinical testing. Allele origin: germline. Not counted in ClinVar's aggregate classification.

Counsyl
Classification: Uncertain significance for Bloom syndrome. Last evaluated: 2017-05-23. Review status: no assertion criteria provided. Collection method: clinical testing. Allele origin: unknown. Not counted in ClinVar's aggregate classification.

NM_000057.4(BLM):c.264CTT[1] (p.Phe90del)

Gene: BLM (BLM RecQ like helicase; plus strand). Cytogenetic location: 15q26.1.
Variant type: Microsatellite.
Coding change: c.264CTT[1] on transcript NM_000057.4 (MANE Select); one copy of the 3-base unit CTT starting at c.264; the reference has two copies in a row; one copy, 3 bases deleted; also written c.267_269del.
Protein change: p.Phe90del; deletes phenylalanine 90.
Molecular consequence: inframe deletion. On other transcripts: 5 prime UTR variant (1).
Genome position (GRCh38, 1-based): chr15:90,749,535-90,749,537, CTT deleted; deleting any 3 consecutive bases within chr15:90,749,532-90,749,537 gives the same sequence; the position shown is the placement nearest the transcript's 3' end. VCF-style (leftmost placement, unchanged base first): chr15-90749531-ACTT-A. GRCh37 (hg19) VCF-style: chr15-91292761-ACTT-A.
Other names: c.267_269del (NM_000057.4); c.264CTT[1], p.Phe90del (NM_001287246.2, NM_001287247.2); c.-1028CTT[1] (NM_001287248.2); short protein forms F90del.
Identifiers: ClinVar variation 552104 (VCV000552104.14), dbSNP rs1555418301, ClinGen allele CA658824601.